The following is an entry in ClinVar:

ClinVar aggregate classification (germline): Likely pathogenic (1 of 4 stars; one submission).

Submission:

GeneDx
Classification: Likely pathogenic. Last evaluated: 2024-05-07. Review status: criteria provided, single submitter. Criteria: GeneDx Variant Classification Process June 2021. Collection method: clinical testing. Allele origin: germline. Affected: yes.
Comment: Frameshift variant predicted to result in protein truncation or nonsense mediated decay in a gene for which loss-of-function is a known mechanism of disease; Has not been previously published as pathogenic or benign to our knowledge

NM_001195263.2(PDZD7):c.561dup (p.Arg188fs)

Gene: PDZD7 (PDZ domain containing 7; minus strand). Cytogenetic location: 10q24.31.
Variant type: Duplication.
Coding change: c.561dup on transcript NM_001195263.2 (MANE Select); coding-DNA position 561, one base duplicated (G; older notation c.561dupG).
Protein change: p.Arg188fs; shifts the reading frame from arginine 188.
Molecular consequence: frameshift variant.
Genome position (GRCh38, 1-based): chr10:101,022,367, C duplicated on the plus strand (G on the coding strand, the reverse complement: PDZD7 is on the minus strand); the first of 2 consecutive C bases (chr10:101,022,367-101,022,368); duplicating either gives the same sequence. VCF-style (leftmost placement, unchanged base first): chr10-101022366-G-GC. GRCh37 (hg19) VCF-style: chr10-102782123-G-GC.
Other names: c.561dup, p.Arg188fs (NM_001351044.2, NM_024895.5); short protein forms R188fs.
Identifiers: ClinVar variation 3375772 (VCV003375772.1).